The following is an entry in ClinVar:

NM_001130987.2(DYSF):c.6141_6151del (p.Pro2048_Asn2049insTer)

Gene: DYSF (dysferlin; plus strand). Cytogenetic location: 2p13.2.
Variant type: Deletion.
Coding change: c.6141_6151del on transcript NM_001130987.2 (MANE Select); coding-DNA positions 6141 to 6151, 11 bases deleted (GCCCAACATGA).
Protein change: p.Pro2048_Asn2049insTer.
Molecular consequence: frameshift variant.
Genome position (GRCh38, 1-based): chr2:71,681,078-71,681,088, GCCCAACATGA deleted; deleting any 11 consecutive bases within chr2:71,681,074-71,681,088 gives the same sequence; the c. name uses the placement nearest the transcript's 3' end. VCF-style (leftmost placement, unchanged base first): chr2-71681073-GATGAGCCCAAC-G. GRCh37 (hg19) VCF-style: chr2-71908203-GATGAGCCCAAC-G.
Other names: c.6027_6037del, p.Pro2010_Asn2011insTer (NM_001130455.2); c.5982_5992del, p.Pro1995_Asn1996insTer (NM_001130976.2); c.6045_6055del, p.Pro2016_Asn2017insTer (NM_001130977.2); c.6087_6097del, p.Pro2030_Asn2031insTer (NM_001130978.2); c.6117_6127del, p.Pro2040_Asn2041insTer (NM_001130979.2); c.6075_6085del, p.Pro2026_Asn2027insTer (NM_001130980.2); c.6138_6148del, p.Pro2047_Asn2048insTer (NM_001130981.2); c.6120_6130del, p.Pro2041_Asn2042insTer (NM_001130982.2); and 5 more.
Identifiers: ClinVar variation 573478 (VCV000573478.6), dbSNP rs1558817973, ClinGen allele CA891843407.
Genomic context (GRCh38, chr2:71,681,073, plus strand): 5'-ATGACCTTGGAGATTGTAGCAGAGAGTGAGCATGAGGAGCGGCCTGCTGGCCAGGGCCGG[GATGAGCCCAAC>G]ATGAACCCTAAGCTTGAGGACCCAAGGTCAGTGCCCAGCCCCTGAGCCCCAATGCCCACA-3'

ClinVar aggregate classification (germline): Pathogenic (1 of 4 stars; one submission).

Conditions:
Neuromuscular disease caused by qualitative or quantitative defects of dysferlin. Also called: Qualitative or quantitative defects of dysferlin; Dysferlinopathy. Identifiers: Orphanet 207073, MedGen C2931687, MONDO:0016145.

Submission:

Labcorp Genetics (formerly Invitae), Labcorp
Classification: Pathogenic for Neuromuscular disease caused by qualitative or quantitative defects of dysferlin. Last evaluated: 2022-02-03. Review status: criteria provided, single submitter. Criteria: Invitae Variant Classification Sherloc (09022015). Collection method: clinical testing. Allele origin: germline.
Comment: This sequence change creates a premature translational stop signal (p.Asn2010*) in the DYSF gene. It is expected to result in an absent or disrupted protein product. Loss-of-function variants in DYSF are known to be pathogenic (PMID: 17698709, 20301480). For these reasons, this variant has been classified as Pathogenic. ClinVar contains an entry for this variant (Variation ID: 573478). This variant has not been reported in the literature in individuals affected with DYSF-related conditions. This variant is not present in population databases (gnomAD no frequency).

Literature cited by the submitters: PubMed 17698709; PubMed 20301480.